The following is an entry in ClinVar:

ClinVar aggregate classification (germline): Likely pathogenic (1 of 4 stars; one submission).

Conditions:
Periventricular nodular heterotopia 9. Identifiers: MedGen C5394503, MONDO:0030061, OMIM 618918.
Hearing loss, autosomal dominant 83. Also called: Deafness, autosomal dominant 83. Identifiers: MedGen C5676951, MONDO:0030723, OMIM 619808.

Submission:

Juno Genomics, Hangzhou Juno Genomics, Inc
Classification: Likely pathogenic for Hearing loss, autosomal dominant 83; Periventricular nodular heterotopia 9. Review status: criteria provided, single submitter. Criteria: ACMG Guidelines, 2015. Collection method: clinical testing. Allele origin: germline.
Comment: Null variant in a gene where loss of function (LOF) is a known mechanism of disease.;Absent from controls (or at extremely low frequency if recessive) in Genome Aggregation Database.

NM_005909.5(MAP1B):c.7013-1G>C

Gene: MAP1B (microtubule associated protein 1B; plus strand). Cytogenetic location: 5q13.2.
Variant type: single nucleotide variant.
Coding change: c.7013-1G>C on transcript NM_005909.5 (MANE Select); the canonical splice acceptor site of the intron before coding-DNA position 7013, G replaced by C.
Molecular consequence: splice acceptor variant.
Genome position (GRCh38, 1-based): chr5:72,203,562, G>C. VCF-style: chr5-72203562-G-C. GRCh37 (hg19) VCF-style: chr5-71499389-G-C.
Other names: c.6635-1G>C (NM_001324255.2).
Identifiers: ClinVar variation 5006924 (VCV005006924.2).